The following is an entry in ClinVar:

ClinVar aggregate classification (germline): Uncertain significance (1 of 4 stars; one submission).

Submission:

CeGaT Center for Human Genetics Tuebingen
Classification: Uncertain significance. Last evaluated: 2023-12-01. Review status: criteria provided, single submitter. Criteria: CeGaT Center For Human Genetics Tuebingen Variant Classification Criteria Version 2. Collection method: clinical testing. Allele origin: germline. Affected: yes. Observed: 1 variant allele.
Comment: TTN: PM2

NM_001267550.2(TTN):c.11312-5172_11312-5171del

Gene: TTN (titin; minus strand). Cytogenetic location: 2q31.2.
Variant type: Microsatellite.
Coding change: c.11312-5172_11312-5171del on transcript NM_001267550.2 (MANE Select); 5172 bases into the intron before coding-DNA position 11312 through 5171 bases into the intron before coding-DNA position 11312, 2 bases deleted (CT; older notation c.11312-5172_11312-5171delCT).
Molecular consequence: intron variant. On other transcripts: frameshift variant (1).
Genome position (GRCh38, 1-based): chr2:178,747,092-178,747,093, AG deleted on the plus strand (CT on the coding strand, the reverse complement: TTN is on the minus strand); deleting any 2 consecutive bases within chr2:178,747,092-178,747,095 gives the same sequence; the c. name uses the placement nearest the transcript's 3' end. VCF-style (leftmost placement, unchanged base first): chr2-178747091-TAG-T. GRCh37 (hg19) VCF-style: chr2-179611818-TAG-T.
Other names: c.15307_15308del, p.Leu5103fs (NM_133379.5); c.10223-5172_10223-5171del (NM_003319.4); c.10799-5172_10799-5171del (NM_133437.4); c.10598-5172_10598-5171del (NM_133432.3); c.10360+6031_10360+6032del (NM_133378.4); c.10361-5172_10361-5171del (NM_001256850.1); short protein forms L5103fs.
Identifiers: ClinVar variation 3026965 (VCV003026965.22), dbSNP rs2531093489, ClinGen allele CA2662154768.